The following is an entry in ClinVar:

NM_152564.5(VPS13B):c.6676C>T (p.His2226Tyr)

Gene: VPS13B (vacuolar protein sorting 13 homolog B; plus strand). Cytogenetic location: 8q22.2.
Variant type: single nucleotide variant.
Coding change: c.6676C>T on transcript NM_152564.5 (MANE Select); coding-DNA position 6676, C replaced by T.
Protein change: p.His2226Tyr; replaces histidine 2226 with tyrosine.
Molecular consequence: missense variant.
Genome position (GRCh38, 1-based): chr8:99,720,363, C>T. VCF-style: chr8-99720363-C-T. GRCh37 (hg19) VCF-style: chr8-100732591-C-T.
Other names: c.6751C>T, p.His2251Tyr (NM_017890.5); short protein forms H2251Y, H2226Y.
Identifiers: ClinVar variation 361071 (VCV000361071.16), dbSNP rs747340772, ClinGen allele CA4824074.

ClinVar aggregate classification (germline): Uncertain significance. Review status: criteria provided, multiple submitters, no conflicts (2 of 4 stars). 2 submissions from 2 submitters: Uncertain significance (2). Last evaluated 2025-07-01.

Conditions:
Cohen syndrome (COH1). Also called: Cutis verticis gyrata, retinitis pigmentosa, and sensorineural deafness; PEPPER SYNDROME. Identifiers: Orphanet 193, MedGen C0265223, MONDO:0008999, OMIM 216550.

Allele frequency attached by ClinVar (database versions not stated): gnomAD exomes below 0.00001 and 0.00001; TOPMed below 0.00001; ExAC 0.00002.
gnomAD v4.1: 3 of 1,613,002 alleles (0.00019%); highest among the groups gnomAD compares: Non-Finnish European, 0.00025%; no homozygotes.

Submissions (2):

CeGaT Center for Human Genetics Tuebingen
Classification: Uncertain significance. Last evaluated: 2025-07-01. Review status: criteria provided, single submitter. Criteria: CeGaT Center For Human Genetics Tuebingen Variant Classification Criteria Version 2. Collection method: clinical testing. Allele origin: germline. Affected: yes. Observed: 1 variant allele.
Comment: VPS13B: PM2

Labcorp Genetics (formerly Invitae), Labcorp
Classification: Uncertain significance for Cohen syndrome. Last evaluated: 2023-09-22. Review status: criteria provided, single submitter. Criteria: Invitae Variant Classification Sherloc (09022015). Collection method: clinical testing. Allele origin: germline.
Comment: In summary, the available evidence is currently insufficient to determine the role of this variant in disease. Therefore, it has been classified as a Variant of Uncertain Significance. This sequence change replaces histidine, which is basic and polar, with tyrosine, which is neutral and polar, at codon 2251 of the VPS13B protein (p.His2251Tyr). This variant is present in population databases (rs747340772, gnomAD 0.002%). This variant has not been reported in the literature in individuals affected with VPS13B-related conditions. ClinVar contains an entry for this variant (Variation ID: 361071). Advanced modeling of protein sequence and biophysical properties (such as structural, functional, and spatial information, amino acid conservation, physicochemical variation, residue mobility, and thermodynamic stability) performed at Invitae indicates that this missense variant is expected to disrupt VPS13B protein function.